The following is an entry in ClinVar:

NM_001040167.2(LFNG):c.981C>T (p.His327=)

Gene: LFNG (LFNG O-fucosylpeptide 3-beta-N-acetylglucosaminyltransferase; plus strand). Cytogenetic location: 7p22.3.
Variant type: single nucleotide variant.
Coding change: c.981C>T on transcript NM_001040167.2 (MANE Select); coding-DNA position 981, C replaced by T.
Protein change: p.His327=; no amino-acid change (histidine 327 retained).
Molecular consequence: synonymous variant.
Genome position (GRCh38, 1-based): chr7:2,526,403, C>T. VCF-style: chr7-2526403-C-T. GRCh37 (hg19) VCF-style: chr7-2566037-C-T.
Other names: c.981C>T, p.His327= (NM_001040168.2); c.768C>T, p.His256= (NM_001166355.2); c.594C>T, p.His198= (NM_002304.3); c.981C>T (NM_001040167.1).
Identifiers: ClinVar variation 2722414 (VCV002722414.5), dbSNP rs143318387, ClinGen allele CA4127210.

ClinVar aggregate classification (germline): Likely benign. Review status: criteria provided, single submitter (1 of 4 stars). 2 submissions from 2 submitters: Likely benign (1). 1 of the submissions does not count toward it. Last evaluated 2025-03-05.

Conditions:
Spondylocostal dysostosis 3, autosomal recessive (SCDO3). Also called: LFNG-Related Spondylocostal Dysostosis, Autosomal Recessive. Identifiers: Orphanet 2311, MedGen C1853296, MONDO:0012349, OMIM 609813.
LFNG-related disorder. Also called: LFNG-related condition.

Allele frequency attached by ClinVar (database versions not stated): ExAC 0.00008; gnomAD 0.00008; ESP Exome Variant Server 0.00023; 1000 Genomes Project 30x 0.00031; 1000 Genomes Project 0.00040.
gnomAD v4.1: 42 of 1,607,494 alleles (0.0026%); highest among the groups gnomAD compares: African/African-American, 0.024%; no homozygotes.

Submissions (2):

Labcorp Genetics (formerly Invitae), Labcorp
Classification: Likely benign for Spondylocostal dysostosis 3, autosomal recessive. Last evaluated: 2025-03-05. Review status: criteria provided, single submitter. Criteria: Invitae Variant Classification Sherloc (09022015). Collection method: clinical testing. Allele origin: germline.

PreventionGenetics, part of Exact Sciences
Classification: Likely benign for LFNG-related condition. Last evaluated: 2019-08-20. Review status: no assertion criteria provided. Collection method: clinical testing. Allele origin: germline. Not counted in ClinVar's aggregate classification.
Comment: This variant is classified as likely benign based on ACMG/AMP sequence variant interpretation guidelines (Richards et al. 2015 PMID: 25741868, with internal and published modifications).